The following is an entry in ClinVar:

ClinVar aggregate classification (germline): Likely benign (1 of 4 stars; one submission).

Allele frequency attached by ClinVar (database versions not stated): 1000 Genomes Project 30x 0.00172; 1000 Genomes Project 0.00180; gnomAD 0.00576; ExAC 0.00591; TOPMed 0.00626; gnomAD exomes 0.00778; ESP Exome Variant Server 0.00862.
gnomAD v4.1: 12,261 of 1,613,024 alleles (0.76%); highest among the groups gnomAD compares: Non-Finnish European, 0.89%; 62 homozygotes.

Submission:

CeGaT Center for Human Genetics Tuebingen
Classification: Likely benign. Last evaluated: 2024-04-01. Review status: criteria provided, single submitter. Criteria: CeGaT Center For Human Genetics Tuebingen Variant Classification Criteria Version 2. Collection method: clinical testing. Allele origin: germline. Affected: yes. Observed: 2 variant alleles.
Comment: CR1: BP4, BP7, BS2

NM_000651.6(CR1):c.5706T>C (p.Cys1902=)

Gene: CR1 (complement C3b/C4b receptor 1 (Knops blood group); plus strand). Cytogenetic location: 1q32.2.
Variant type: single nucleotide variant.
Coding change: c.5706T>C on transcript NM_000651.6 (MANE Select); coding-DNA position 5706, T replaced by C.
Protein change: p.Cys1902=; no amino-acid change (cysteine 1902 retained).
Molecular consequence: synonymous variant.
Genome position (GRCh38, 1-based): chr1:207,587,561, T>C. VCF-style: chr1-207587561-T-C. GRCh37 (hg19) VCF-style: chr1-207760906-T-C.
Other names: c.4356T>C, p.Cys1452= (NM_000573.4, NM_001381851.1).
Identifiers: ClinVar variation 2639875 (VCV002639875.24), dbSNP rs61734513, ClinGen allele CA1370237.
Genomic context (GRCh38, chr1:207,587,561, plus strand): 5'-GAAAATGTTCTCTATCTCCTGCCTAGAAAACTTGGTCTGGTCAAGTGTTGAAGACAACTG[T>C]AGACGTGAGTAACCCCTCCCTGGGAACTACTTCATGTCTGTTAAAGCATAGGTGGGACCG-3'
Protein context (NP_000642.3, residues 1892-1912): NLVWSSVEDN[Cys1902=]RRKSCGPPPE